The following is an entry in ClinVar:

ClinVar aggregate classification (germline): Pathogenic (1 of 4 stars; one submission).

Conditions:
Tetralogy of Fallot (TOF). Identifiers: Orphanet 3303, MedGen C0039685, MONDO:0008542, OMIM 187500, HP:0001636.

Submission:

Baylor Genetics
Classification: Pathogenic for Tetralogy of Fallot. Last evaluated: 2018-11-01. Review status: criteria provided, single submitter. Criteria: ACMG CNV Guidelines, 2011. Collection method: clinical testing. Allele origin: germline. Observed: 1 variant allele.

GRCh37/hg19 8p23.3-23.1(chr8:194617-7787444)

Genes: AGPAT5 (1-acylglycerol-3-phosphate O-acyltransferase 5; plus strand), ANGPT2 (angiopoietin 2; minus strand), DEFB106A (defensin beta 106A; plus strand), ARHGEF10 (Rho guanine nucleotide exchange factor 10; plus strand), DEFB106B (defensin beta 106B) and 34 more. Cytogenetic location: 8p23.3-23.1.
Variant type: copy number loss.
Identifiers: ClinVar variation 625669 (VCV000625669.1).